The following is an entry in ClinVar:

ClinVar aggregate classification (germline): Pathogenic. Review status: criteria provided, multiple submitters, no conflicts (2 of 4 stars). 3 submissions from 3 submitters: Pathogenic (2). 1 of the submissions does not count toward it. Last evaluated 2023-09-28.

Conditions:
Ehlers-Danlos syndrome, periodontal type 1. Identifiers: Orphanet 75392, MedGen C4551499, MONDO:0020684, OMIM 130080.
Ehlers-Danlos syndrome, periodontal type 2. Identifiers: MedGen C4310681, MONDO:0014954, OMIM 617174.

Submissions (3):

Greenwood Genetic Center Diagnostic Laboratories, Greenwood Genetic Center
Classification: Pathogenic for Ehlers-Danlos syndrome, periodontal type 1. Last evaluated: 2023-09-28. Review status: criteria provided, single submitter. Criteria: ACMG Guidelines, 2015. Collection method: clinical testing. Allele origin: germline. Affected: yes.
Comment: PS3 PM2 PM1 PS4_Supporting PP3 Path

Institute of Human Genetics, Medical University Innsbruck
Classification: Pathogenic for periodontal EDS. Last evaluated: 2016-08-23. Review status: criteria provided, single submitter. Criteria: Submitter's publication. Collection method: research. Allele origin: germline. Affected: yes.

University of Washington Center for Mendelian Genomics, University of Washington
Classification: Likely pathogenic for Ehlers-Danlos syndrome, periodontal type, 2. Last evaluated: 2016-10-13. Review status: no assertion criteria provided. Collection method: research. Allele origin: inherited. Affected: yes. Observed: 4 heterozygotes. Not counted in ClinVar's aggregate classification.

Literature cited by the submitters: PubMed 27745832 (cited by University of Washington Center for Mendelian Genomics, University of Washington).

NM_001733.7(C1R):c.1012T>C (p.Cys338Arg)

Gene: C1R (complement C1r; minus strand). Cytogenetic location: 12p13.31.
Variant type: single nucleotide variant.
Coding change: c.1012T>C on transcript NM_001733.7 (MANE Select); coding-DNA position 1012, T replaced by C.
Protein change: p.Cys338Arg; replaces cysteine 338 with arginine.
Molecular consequence: missense variant.
Genome position (GRCh38, 1-based): chr12:7,088,636, A>G on the plus strand (T>C on the coding strand, the complement: C1R is on the minus strand). VCF-style: chr12-7088636-A-G. GRCh37 (hg19) VCF-style: chr12-7241232-A-G.
Other names: c.1054T>C, p.Cys352Arg (NM_001354346.2); short protein forms C338R, C352R.
Identifiers: ClinVar variation 375578 (VCV000375578.3), dbSNP rs1057519577, ClinGen allele CA16044362.